The following is an entry in ClinVar:

ClinVar aggregate classification (germline): Conflicting classifications of pathogenicity. Review status: criteria provided, conflicting classifications (1 of 4 stars). 5 submissions from 5 submitters: Uncertain significance (4); Likely benign (1). Last evaluated 2024-11-25.

Conditions:
Autosomal recessive spinocerebellar ataxia 12. Also called: SPINOCEREBELLAR ATAXIA WITH MENTAL RETARDATION AND EPILEPSY. Identifiers: Orphanet 284282, MedGen C3280452, MONDO:0013687, OMIM 614322.
Developmental and epileptic encephalopathy, 1 (DEE1). Also called: X-linked infantile spasms; West's syndrome; Tonic spasms with clustering, arrest of psychomotor development and hypsarrhythmia on EEG; X-Linked Infantile Spasm Syndrome; OHTAHARA SYNDROME, X-LINKED; INFANTILE SPASM SYNDROME, X-LINKED 1. Identifiers: MedGen C3463992, MONDO:0010632, OMIM 308350. Disease mechanism: loss of function.
Developmental and epileptic encephalopathy, 28 (DEE28). Also called: Epileptic encephalopathy, early infantile, 28. Identifiers: Orphanet 442835, MedGen C4015519, MONDO:0014533, OMIM 616211.

Allele frequency attached by ClinVar (database versions not stated): gnomAD exomes 0.00008 and 0.00009; gnomAD 0.00009; TOPMed 0.00010; ExAC 0.00011; 1000 Genomes Project 30x 0.00031; 1000 Genomes Project 0.00040.
gnomAD v4.1: 134 of 1,614,228 alleles (0.0083%); highest among the groups gnomAD compares: Middle Eastern, 0.066%; no homozygotes.

Submissions (6):

Blueprint Genetics
Classification: Uncertain significance. Last evaluated: 2024-11-25. Review status: criteria provided, single submitter. Criteria: ACMG Guidelines, 2015. Collection method: clinical testing. Allele origin: germline.

Labcorp Genetics (formerly Invitae), Labcorp
Classification: Uncertain significance for Developmental and epileptic encephalopathy, 1; Autosomal recessive spinocerebellar ataxia 12. Last evaluated: 2022-11-01. Review status: criteria provided, single submitter. Criteria: Invitae Variant Classification Sherloc (09022015). Collection method: clinical testing. Allele origin: germline.
Comment: This sequence change replaces isoleucine, which is neutral and non-polar, with valine, which is neutral and non-polar, at codon 136 of the WWOX protein (p.Ile136Val). This variant is present in population databases (rs193027041, gnomAD 0.01%). This variant has not been reported in the literature in individuals affected with WWOX-related conditions. ClinVar contains an entry for this variant (Variation ID: 473024). Advanced modeling of protein sequence and biophysical properties (such as structural, functional, and spatial information, amino acid conservation, physicochemical variation, residue mobility, and thermodynamic stability) performed at Invitae indicates that this missense variant is not expected to disrupt WWOX protein function. Algorithms developed to predict the effect of sequence changes on RNA splicing suggest that this variant may create or strengthen a splice site. In summary, the available evidence is currently insufficient to determine the role of this variant in disease. Therefore, it has been classified as a Variant of Uncertain Significance.

Baylor Genetics
Classification: Uncertain significance for Developmental and epileptic encephalopathy, 28. Last evaluated: 2019-12-27. Review status: criteria provided, single submitter. Criteria: ACMG Guidelines, 2015. Collection method: clinical testing. Allele origin: unknown. Affected: yes.
Comment: This variant was determined to be of uncertain significance according to ACMG Guidelines, 2015 [PMID:25741868].

GeneDx
Classification: Likely benign. Last evaluated: 2019-09-03. Review status: criteria provided, single submitter. Criteria: GeneDx Variant Classification Process June 2021. Collection method: clinical testing. Allele origin: germline. Affected: yes.
Comment: In silico analysis, which includes protein predictors and evolutionary conservation, supports that this variant does not alter protein structure/function; Has not been previously published as pathogenic or benign to our knowledge

Mayo Clinic Laboratories, Mayo Clinic
Classification: Uncertain significance. Last evaluated: 2019-07-22. Review status: criteria provided, single submitter. Criteria: ACMG Guidelines, 2015. Collection method: clinical testing. Allele origin: germline. Observed: 1 variant allele.

Dr. Peter K. Rogan Lab, Western University
No classification provided (evidence only). Condition: Familial cancer of breast. Review status: no classification provided. Collection method: in vitro. Allele origin: not applicable. Functional consequence: retained intron. Not counted in ClinVar's aggregate classification.

NM_016373.4(WWOX):c.406A>G (p.Ile136Val)

Gene: WWOX (WW domain containing oxidoreductase; plus strand). Cytogenetic location: 16q23.1.
Variant type: single nucleotide variant.
Coding change: c.406A>G on transcript NM_016373.4 (MANE Select); coding-DNA position 406, A replaced by G.
Protein change: p.Ile136Val; replaces isoleucine 136 with valine.
Molecular consequence: missense variant. On other transcripts: non-coding transcript variant (1).
Genome position (GRCh38, 1-based): chr16:78,115,151, A>G. VCF-style: chr16-78115151-A-G. GRCh37 (hg19) VCF-style: chr16-78149048-A-G.
Other names: c.67A>G, p.Ile23Val (NM_001291997.2); c.406A>G, p.Ile136Val (NM_130791.5); short protein forms I136V, I23V.
Identifiers: ClinVar variation 473024 (VCV000473024.17), dbSNP rs193027041, ClinGen allele CA8183177.